The following is an entry in ClinVar:

NM_000587.4(C7):c.1588G>C (p.Gly530Arg)

Gene: C7 (complement C7; plus strand). Cytogenetic location: 5p13.1.
Variant type: single nucleotide variant.
Coding change: c.1588G>C on transcript NM_000587.4 (MANE Select); coding-DNA position 1588, G replaced by C.
Protein change: p.Gly530Arg; replaces glycine 530 with arginine.
Molecular consequence: missense variant.
Genome position (GRCh38, 1-based): chr5:40,959,547, G>C. VCF-style: chr5-40959547-G-C. GRCh37 (hg19) VCF-style: chr5-40959649-G-C.
Other names: short protein forms G530R.
Identifiers: ClinVar variation 2103965 (VCV002103965.4), dbSNP rs1740378537, ClinGen allele CA359588073.

ClinVar aggregate classification (germline): Uncertain significance (1 of 4 stars; one submission).

gnomAD v4.1: 2 of 1,611,024 alleles (0.00012%); highest among the groups gnomAD compares: African/African-American, 0.0013%; no homozygotes.

Submission:

Labcorp Genetics (formerly Invitae), Labcorp
Classification: Uncertain significance. Last evaluated: 2022-05-25. Review status: criteria provided, single submitter. Criteria: Invitae Variant Classification Sherloc (09022015). Collection method: clinical testing. Allele origin: germline.
Comment: In summary, the available evidence is currently insufficient to determine the role of this variant in disease. Therefore, it has been classified as a Variant of Uncertain Significance. Algorithms developed to predict the effect of missense changes on protein structure and function output the following: SIFT: "Tolerated"; PolyPhen-2: "Benign"; Align-GVGD: "Class C0". The arginine amino acid residue is found in multiple mammalian species, which suggests that this missense change does not adversely affect protein function. This variant has not been reported in the literature in individuals affected with C7-related conditions. This variant is not present in population databases (gnomAD no frequency). This sequence change replaces glycine, which is neutral and non-polar, with arginine, which is basic and polar, at codon 530 of the C7 protein (p.Gly530Arg).